The following is an entry in ClinVar:

NM_002470.4(MYH3):c.1141G>T (p.Val381Leu)

Gene: MYH3 (myosin heavy chain 3; minus strand). Cytogenetic location: 17p13.1.
Variant type: single nucleotide variant.
Coding change: c.1141G>T on transcript NM_002470.4 (MANE Select); coding-DNA position 1141, G replaced by T.
Protein change: p.Val381Leu; replaces valine 381 with leucine.
Molecular consequence: missense variant.
Genome position (GRCh38, 1-based): chr17:10,645,707, C>A on the plus strand (G>T on the coding strand, the complement: MYH3 is on the minus strand). VCF-style: chr17-10645707-C-A. GRCh37 (hg19) VCF-style: chr17-10549024-C-A.
Other names: short protein forms V381L.
Identifiers: ClinVar variation 393284 (VCV000393284.2), dbSNP rs1057524871, ClinGen allele CA16607168.

ClinVar aggregate classification (germline): Uncertain significance (1 of 4 stars; one submission).

Submission:

GeneDx
Classification: Uncertain significance. Last evaluated: 2017-02-07. Review status: criteria provided, single submitter. Criteria: GeneDx Variant Classification (06012015). Collection method: clinical testing. Allele origin: germline. Affected: yes.
Comment: The c.1141G>T variant in the MYH3 gene has not been reported previously as a pathogenic variant, nor as a benign variant, to our knowledge. The c.1141G>T variant is not observed in large population cohorts (Lek et al., 2016; 1000 Genomes Consortium et al., 2015; Exome Variant Server). In-silico splice prediction models predict that c.1141G>T destroys the natural splice donor site in exon 12. However, in the absence of RNA/functional studies, the actual effect of c.1141G>T change in this individual is unknown. If c.1141G>T does not alter splicing, it will result in the V381L missense change. The V381L variant is a conservative amino acid substitution, which is not likely to impact secondary protein structure as these residues share similar properties. This substitution occurs at a position that is conserved in mammals. In silico analysis is inconsistent in its predictions as to whether or not the variant is damaging to the protein structure/function. We interpret c.1141G>T as a variant of uncertain significance.